The following is an entry in ClinVar:

NM_018941.4(CLN8):c.268G>T (p.Val90Leu)

Gene: CLN8 (CLN8 transmembrane ER and ERGIC protein; plus strand). Cytogenetic location: 8p23.3.
Variant type: single nucleotide variant.
Coding change: c.268G>T on transcript NM_018941.4 (MANE Select); coding-DNA position 268, G replaced by T.
Protein change: p.Val90Leu; replaces valine 90 with leucine.
Molecular consequence: missense variant.
Genome position (GRCh38, 1-based): chr8:1,771,322, G>T. VCF-style: chr8-1771322-G-T. GRCh37 (hg19) VCF-style: chr8-1719488-G-T.
Other names: short protein forms V90L.
Identifiers: ClinVar variation 2189610 (VCV002189610.1), dbSNP rs146424314, ClinGen allele CA369953207.

ClinVar aggregate classification (germline): Uncertain significance (1 of 4 stars; one submission).

Conditions:
Neuronal ceroid lipofuscinosis. Also called: Neuronal Ceroid Lipofuscinoses. Identifiers: Orphanet 216, Orphanet 79263, MedGen C0027877, MONDO:0016295. Disease mechanism: loss of function.

Submission:

Labcorp Genetics (formerly Invitae), Labcorp
Classification: Uncertain significance for Neuronal ceroid lipofuscinosis. Last evaluated: 2022-08-19. Review status: criteria provided, single submitter. Criteria: Invitae Variant Classification Sherloc (09022015). Collection method: clinical testing. Allele origin: germline.
Comment: This sequence change replaces valine, which is neutral and non-polar, with leucine, which is neutral and non-polar, at codon 90 of the CLN8 protein (p.Val90Leu). This variant is not present in population databases (gnomAD no frequency). This variant has not been reported in the literature in individuals affected with CLN8-related conditions. Algorithms developed to predict the effect of missense changes on protein structure and function are either unavailable or do not agree on the potential impact of this missense change (SIFT: "Deleterious"; PolyPhen-2: "Benign"; Align-GVGD: "Class C0"). In summary, the available evidence is currently insufficient to determine the role of this variant in disease. Therefore, it has been classified as a Variant of Uncertain Significance.